The following is an entry in ClinVar:

NM_001353345.2(SETD1B):c.971G>T (p.Arg324Leu)

Gene: SETD1B (SET domain containing 1B, histone lysine methyltransferase; plus strand). Cytogenetic location: 12q24.31.
Variant type: single nucleotide variant.
Coding change: c.971G>T on transcript NM_001353345.2 (MANE Select); coding-DNA position 971, G replaced by T.
Protein change: p.Arg324Leu; replaces arginine 324 with leucine.
Molecular consequence: missense variant.
Genome position (GRCh38, 1-based): chr12:121,809,916, G>T. VCF-style: chr12-121809916-G-T. GRCh37 (hg19) VCF-style: chr12-122247822-G-T.
Other names: short protein forms R324L.
Identifiers: ClinVar variation 3600772 (VCV003600772.1).
Genomic context (GRCh38, chr12:121,809,916, plus strand): 5'-CTGCAGTGACCTTCAAGGCCCGGCGCCACGAGAGCAAGTTCACGGACGCCTACAACCGCC[G>T]CCACGAACATCATTATGTACACAATTCTCCCGCGGTCACTGCGGTGGCCGGGGCCACAGC-3'
Protein context (NP_001340274.1, residues 314-334): ESKFTDAYNR[Arg324Leu]HEHHYVHNSP

ClinVar aggregate classification (germline): Uncertain significance (1 of 4 stars; one submission).

gnomAD v4.1: 1 of 1,550,892 alleles (0.000064%); no homozygotes.

Submission:

GeneDx
Classification: Uncertain significance. Last evaluated: 2024-07-22. Review status: criteria provided, single submitter. Criteria: GeneDx Variant Classification Process June 2021. Collection method: clinical testing. Allele origin: germline. Affected: yes.
Comment: Not observed at significant frequency in large population cohorts (gnomAD); In silico analysis supports that this missense variant has a deleterious effect on protein structure/function; Has not been previously published as pathogenic or benign to our knowledge